The following is an entry in ClinVar:

ClinVar aggregate classification (germline): Uncertain significance (1 of 4 stars; one submission).

Conditions:
Cortical dysplasia-focal epilepsy syndrome (PTHSL1). Also called: Pitt-Hopkins-like syndrome 1. Identifiers: Orphanet 163681, Orphanet 221150, MedGen C2750246, MONDO:0012400, OMIM 610042.

Allele frequency attached by ClinVar (database versions not stated): gnomAD exomes below 0.00001.
gnomAD v4.1: 2 of 1,614,012 alleles (0.00012%); highest among the groups gnomAD compares: South Asian, 0.0022%; no homozygotes.

Submission:

Labcorp Genetics (formerly Invitae), Labcorp
Classification: Uncertain significance for Cortical dysplasia-focal epilepsy syndrome. Last evaluated: 2022-06-13. Review status: criteria provided, single submitter. Criteria: Invitae Variant Classification Sherloc (09022015). Collection method: clinical testing. Allele origin: germline.
Comment: In summary, the available evidence is currently insufficient to determine the role of this variant in disease. Therefore, it has been classified as a Variant of Uncertain Significance. Algorithms developed to predict the effect of missense changes on protein structure and function are either unavailable or do not agree on the potential impact of this missense change (SIFT: "Deleterious"; PolyPhen-2: "Probably Damaging"; Align-GVGD: "Class C0"). This variant has not been reported in the literature in individuals affected with CNTNAP2-related conditions. This variant is present in population databases (no rsID available, gnomAD 0.003%). This sequence change replaces glycine, which is neutral and non-polar, with valine, which is neutral and non-polar, at codon 344 of the CNTNAP2 protein (p.Gly344Val).

NM_014141.6(CNTNAP2):c.1031G>T (p.Gly344Val)

Gene: CNTNAP2 (contactin associated protein 2; plus strand). Cytogenetic location: 7q35.
Variant type: single nucleotide variant.
Coding change: c.1031G>T on transcript NM_014141.6 (MANE Select); coding-DNA position 1031, G replaced by T.
Protein change: p.Gly344Val; replaces glycine 344 with valine.
Molecular consequence: missense variant.
Genome position (GRCh38, 1-based): chr7:147,128,784, G>T. VCF-style: chr7-147128784-G-T. GRCh37 (hg19) VCF-style: chr7-146825876-G-T.
Other names: short protein forms G344V.
Identifiers: ClinVar variation 1488650 (VCV001488650.5), dbSNP rs1277235702, ClinGen allele CA369924329.
Genomic context (GRCh38, chr7:147,128,784, plus strand): 5'-AGCCCAGCTCCAGCAGTAGAAAGAATTTCAAAGGCTGCATGGAAAGCATCAACTACAATG[G>T]CGTCAACATTACTGATCTTGCCAGAAGGAAGAAATTAGAGCCCTCAAATGTGGTAAGGAT-3'
Protein context (NP_054860.1, residues 334-354): KGCMESINYN[Gly344Val]VNITDLARRK